The following is an entry in ClinVar:

NM_000122.2(ERCC3):c.1406C>A (p.Thr469Asn)

Gene: ERCC3 (ERCC excision repair 3, TFIIH core complex helicase subunit; minus strand). Cytogenetic location: 2q14.3.
Variant type: single nucleotide variant.
Coding change: c.1406C>A on transcript NM_000122.2 (MANE Select); coding-DNA position 1406, C replaced by A.
Protein change: p.Thr469Asn; replaces threonine 469 with asparagine.
Molecular consequence: missense variant.
Genome position (GRCh38, 1-based): chr2:127,280,568, G>T on the plus strand (C>A on the coding strand, the complement: ERCC3 is on the minus strand). VCF-style: chr2-127280568-G-T. GRCh37 (hg19) VCF-style: chr2-128038144-G-T.
Other names: c.1214C>A, p.Thr405Asn (NM_001303416.2, NM_001303418.2); short protein forms T405N, T469N.
Identifiers: ClinVar variation 1715537 (VCV001715537.5), dbSNP rs1684876269, ClinGen allele CA348389311.

ClinVar aggregate classification (germline): Uncertain significance (1 of 4 stars; one submission).

Allele frequency attached by ClinVar (database versions not stated): TOPMed 0.00001.

Submission:

Labcorp Genetics (formerly Invitae), Labcorp
Classification: Uncertain significance. Last evaluated: 2024-05-27. Review status: criteria provided, single submitter. Criteria: Invitae Variant Classification Sherloc (09022015). Collection method: clinical testing. Allele origin: germline.
Comment: This sequence change replaces threonine, which is neutral and polar, with asparagine, which is neutral and polar, at codon 469 of the ERCC3 protein (p.Thr469Asn). This variant is not present in population databases (gnomAD no frequency). This variant has not been reported in the literature in individuals affected with ERCC3-related conditions. ClinVar contains an entry for this variant (Variation ID: 1715537). Advanced modeling of protein sequence and biophysical properties (such as structural, functional, and spatial information, amino acid conservation, physicochemical variation, residue mobility, and thermodynamic stability) performed at Invitae indicates that this missense variant is expected to disrupt ERCC3 protein function with a positive predictive value of 80%. In summary, the available evidence is currently insufficient to determine the role of this variant in disease. Therefore, it has been classified as a Variant of Uncertain Significance.